The following is an entry in ClinVar:

ClinVar aggregate classification (germline): Uncertain significance (1 of 4 stars; one submission).

Conditions:
Hereditary cancer-predisposing syndrome. Also called: Neoplastic Syndromes, Hereditary; Tumor predisposition; Hereditary neoplastic syndrome; Hereditary Cancer Syndrome. Identifiers: Orphanet 140162, MedGen C0027672, MeSH D009386, MONDO:0015356.

Submission:

Ambry Genetics
Classification: Uncertain significance for Hereditary cancer-predisposing syndrome. Last evaluated: 2026-07-06. Review status: criteria provided, single submitter. Criteria: Ambry Variant Classification Scheme 2023. Collection method: clinical testing. Allele origin: germline.
Comment: The p.T375S variant (also known as c.1124C>G), located in coding exon 8 of the FH gene, results from a C to G substitution at nucleotide position 1124. The threonine at codon 375 is replaced by serine, an amino acid with similar properties. This amino acid position is conserved. In addition, this alteration is predicted to be deleterious by in silico analysis. Based on the available evidence, the clinical significance of this variant remains unclear.

NM_000143.4(FH):c.1124C>G (p.Thr375Ser)

Gene: FH (fumarate hydratase; minus strand). Cytogenetic location: 1q43.
Variant type: single nucleotide variant.
Coding change: c.1124C>G on transcript NM_000143.4 (MANE Select); coding-DNA position 1124, C replaced by G.
Protein change: p.Thr375Ser; replaces threonine 375 with serine.
Molecular consequence: missense variant.
Genome position (GRCh38, 1-based): chr1:241,502,555, G>C on the plus strand (C>G on the coding strand, the complement: FH is on the minus strand). VCF-style: chr1-241502555-G-C. GRCh37 (hg19) VCF-style: chr1-241665855-G-C.
Other names: short protein forms T375S.
Identifiers: ClinVar variation 5021742 (VCV005021742.1).